The following is an entry in ClinVar:

NM_001194.4(HCN2):c.2279G>A (p.Arg760His)

Gene: HCN2 (hyperpolarization activated cyclic nucleotide gated potassium and sodium channel 2; plus strand). Cytogenetic location: 19p13.3.
Variant type: single nucleotide variant.
Coding change: c.2279G>A on transcript NM_001194.4 (MANE Select); coding-DNA position 2279, G replaced by A.
Protein change: p.Arg760His; replaces arginine 760 with histidine.
Molecular consequence: missense variant.
Genome position (GRCh38, 1-based): chr19:616,083, G>A. VCF-style: chr19-616083-G-A. GRCh37 (hg19) VCF-style: chr19-616083-G-A.
Other names: short protein forms R760H.
Identifiers: ClinVar variation 1679786 (VCV001679786.1), dbSNP rs1983900447, ClinGen allele CA402887479.

ClinVar aggregate classification (germline): Uncertain significance (1 of 4 stars; one submission).

Conditions:
HCN2-associated Epilepsy syndrome.

Allele frequency attached by ClinVar (database versions not stated): gnomAD 0.00001.

Submission:

New York Genome Center
Classification: Uncertain significance for HCN2-associated Epilepsy syndrome. Last evaluated: 2021-04-16. Review status: criteria provided, single submitter. Criteria: NYGC Assertion Criteria 2020. Collection method: clinical testing. Allele origin: germline. Observed: 1 heterozygote. Study: CSER-NYCKidSeq.
Comment: The c.2279G>A (p.Arg760His) variant detected in the HCN2 gene substitutes a moderately conserved Arginine for Histidine at amino acid 760/890 (exon 8/8). This variant is found with low frequency in gnomAD(v3.1.1) (1 heterozygote, 0 homozygotes; allele frequency: 6.91e-6) suggesting it is not a common benign variant in the populations represented in that database. In silico algorithms predict this variant to be Damaging (SIFT; score:0.012) and Benign (REVEL; score:0.233) to the function of the canonical transcript. This variant is absent from ClinVar and to our current knowledge has not been reported in affected individuals in the literature. The p.Arg760 residue is within the C-terminal cytoplasmic domain of HCN2 (UniProtKB:Q9UL51). Given the lack of compelling evidence for its pathogenicity, the c.2279G>A (p.Arg760His) variant detected in the HCN2 gene is reported as a Variant of Uncertain Significance.